The following is an entry in ClinVar:

NC_000009.11:g.(?_6610182)_(6645509_?)del

Gene: GLDC (glycine decarboxylase; minus strand). Cytogenetic location: 9p24.1.
Variant type: Deletion.
Identifiers: ClinVar variation 1458460 (VCV001458460.9).

ClinVar aggregate classification (germline): Pathogenic (1 of 4 stars; one submission).

Conditions:
Glycine encephalopathy. Also called: Non-ketotic hyperglycinemia; Nonketotic hyperglycinemia. Identifiers: Orphanet 407, MedGen C0751748, MONDO:0011612, HP:0008288.

Submission:

Labcorp Genetics (formerly Invitae), Labcorp
Classification: Pathogenic for Glycine encephalopathy. Last evaluated: 2022-04-12. Review status: criteria provided, single submitter. Criteria: Invitae Variant Classification Sherloc (09022015). Collection method: clinical testing. Allele origin: germline.
Comment: This variant is a gross deletion of the genomic region encompassing exon(s) 1-4 of the GLDC gene, which includes the initiator codon. This deletion extends beyond the assayed region for this gene and therefore may encompass additional genes. It is expected to result in an absent or disrupted protein product. Loss-of-function variants in GLDC are known to be pathogenic (PMID: 16601880). A similar copy number variant has been observed in individual(s) with glycine encephalopathy (PMID: 26179960). For these reasons, this variant has been classified as Pathogenic.

Literature cited by the submitters: PubMed 16601880; PubMed 26179960.